The following is an entry in ClinVar:

ClinVar aggregate classification (germline): Uncertain significance (1 of 4 stars; one submission).

gnomAD v4.1: 7 of 1,614,138 alleles (0.00043%); highest among the groups gnomAD compares: Non-Finnish European, 0.00059%; no homozygotes.

Submission:

Women's Health and Genetics/Laboratory Corporation of America, LabCorp
Classification: Uncertain significance. Last evaluated: 2024-07-15. Review status: criteria provided, single submitter. Criteria: LabCorp Variant Classification Summary - May 2015. Collection method: clinical testing. Allele origin: germline.
Comment: Variant summary: ASPA c.859G>T (p.Ala287Ser) results in a conservative amino acid change in the encoded protein sequence. Three of five in-silico tools predict a damaging effect of the variant on protein function. The variant was absent in 251342 control chromosomes. The available data on variant occurrences in the general population are insufficient to allow any conclusion about variant significance. To our knowledge, no occurrence of c.859G>T in individuals affected with Canavan Disease and no experimental evidence demonstrating its impact on protein function have been reported. A different variant affecting the same codon has been classified as pathogenic by our lab (c.859G>A, p.Ala287Thr), supporting the critical relevance of codon 287 to ASPA protein function. No submitters have cited clinical-significance assessments for this variant to ClinVar. Based on the evidence outlined above, the variant was classified as uncertain significance.

NM_000049.4(ASPA):c.859G>T (p.Ala287Ser)

Genes: ASPA (aspartoacylase; plus strand), SPATA22 (spermatogenesis associated 22; minus strand). Cytogenetic location: 17p13.2.
Variant type: single nucleotide variant.
Coding change: c.859G>T on transcript NM_000049.4 (MANE Select); coding-DNA position 859, G replaced by T.
Protein change: p.Ala287Ser; replaces alanine 287 with serine.
Molecular consequence: missense variant. On other transcripts: intron variant (2).
Genome position (GRCh38, 1-based): chr17:3,499,005, G>T. VCF-style: chr17-3499005-G-T. GRCh37 (hg19) VCF-style: chr17-3402299-G-T.
Other names: c.859G>T, p.Ala287Ser (NM_001128085.1); c.-74+14407C>A (NM_001321336.2, NM_001321337.2); short protein forms A287S.
Identifiers: ClinVar variation 3339500 (VCV003339500.1).